The following is an entry in ClinVar:

NM_206933.4(USH2A):c.6698A>C (p.Glu2233Ala)

Gene: USH2A (usherin; minus strand). Cytogenetic location: 1q41.
Variant type: single nucleotide variant.
Coding change: c.6698A>C on transcript NM_206933.4 (MANE Select); coding-DNA position 6698, A replaced by C.
Protein change: p.Glu2233Ala; replaces glutamic acid 2233 with alanine.
Molecular consequence: missense variant.
Genome position (GRCh38, 1-based): chr1:215,993,127, T>G on the plus strand (A>C on the coding strand, the complement: USH2A is on the minus strand). VCF-style: chr1-215993127-T-G. GRCh37 (hg19) VCF-style: chr1-216166469-T-G.
Other names: short protein forms E2233A.
Identifiers: ClinVar variation 3672167 (VCV003672167.2).

ClinVar aggregate classification (germline): Uncertain significance (1 of 4 stars; one submission).

gnomAD v4.1: 3 of 1,614,018 alleles (0.00019%); highest among the groups gnomAD compares: South Asian, 0.0033%; no homozygotes.

Submission:

Labcorp Genetics (formerly Invitae), Labcorp
Classification: Uncertain significance. Last evaluated: 2024-10-21. Review status: criteria provided, single submitter. Criteria: Invitae Variant Classification Sherloc (09022015). Collection method: clinical testing. Allele origin: germline.
Comment: This sequence change replaces glutamic acid, which is acidic and polar, with alanine, which is neutral and non-polar, at codon 2233 of the USH2A protein (p.Glu2233Ala). This variant is present in population databases (rs766198162, gnomAD 0.003%). This variant has not been reported in the literature in individuals affected with USH2A-related conditions. Invitae Evidence Modeling of protein sequence and biophysical properties (such as structural, functional, and spatial information, amino acid conservation, physicochemical variation, residue mobility, and thermodynamic stability) indicates that this missense variant is not expected to disrupt USH2A protein function with a negative predictive value of 95%. In summary, the available evidence is currently insufficient to determine the role of this variant in disease. Therefore, it has been classified as a Variant of Uncertain Significance.